The following is an entry in ClinVar:

NM_001042492.3(NF1):c.289-2A>G

Gene: NF1 (neurofibromin 1; plus strand). Cytogenetic location: 17q11.2.
Variant type: single nucleotide variant.
Coding change: c.289-2A>G on transcript NM_001042492.3 (MANE Select); the canonical splice acceptor site of the intron before coding-DNA position 289, A replaced by G.
Molecular consequence: splice acceptor variant.
Genome position (GRCh38, 1-based): chr17:31,163,184, A>G. VCF-style: chr17-31163184-A-G. GRCh37 (hg19) VCF-style: chr17-29490202-A-G.
Other names: c.289-2A>G (NM_000267.4, NM_001128147.3).
Identifiers: ClinVar variation 1460161 (VCV001460161.9), dbSNP rs2143670119, ClinGen allele CA398981616.

ClinVar aggregate classification (germline): Pathogenic. Review status: criteria provided, multiple submitters, no conflicts (2 of 4 stars). 2 submissions from 2 submitters: Pathogenic (2). Last evaluated 2022-12-14.

Conditions:
Juvenile myelomonocytic leukemia (JMML). Also called: LEUKEMIA, JUVENILE MYELOMONOCYTIC, SOMATIC. Identifiers: Orphanet 86834, MedGen C0349639, MONDO:0011908, OMIM 607785, HP:0012209.
Neurofibromatosis, type 1 (NF1). Also called: NEUROFIBROMATOSIS, TYPE I, SOMATIC; VON RECKLINGHAUSEN DISEASE; Peripheral type neurofibromatosis; Neurofibromatosis, type I. Identifiers: Orphanet 636, MedGen C0027831, MONDO:0018975, OMIM 162200. Disease mechanism: loss of function.

Allele frequency attached by ClinVar (database versions not stated): gnomAD exomes below 0.00001.
gnomAD v4.1: 1 of 1,613,952 alleles (0.000062%); highest among the groups gnomAD compares: Non-Finnish European, 0.000085%; no homozygotes.

Submissions (2):

Baylor Genetics
Classification: Pathogenic for Juvenile myelomonocytic leukemia. Last evaluated: 2022-12-14. Review status: criteria provided, single submitter. Criteria: ACMG Guidelines, 2015. Collection method: clinical testing. Allele origin: unknown.

Labcorp Genetics (formerly Invitae), Labcorp
Classification: Pathogenic for Neurofibromatosis, type 1. Last evaluated: 2021-04-29. Review status: criteria provided, single submitter. Criteria: Invitae Variant Classification Sherloc (09022015). Collection method: clinical testing. Allele origin: germline.
Comment: This variant is not present in population databases (ExAC no frequency). This sequence change affects an acceptor splice site in intron 3 of the NF1 gene. It is expected to disrupt RNA splicing. Variants that disrupt the donor or acceptor splice site typically lead to a loss of protein function (PMID: 16199547), and loss-of-function variants in NF1 are known to be pathogenic (PMID: 10712197, 23913538). This variant has been observed in individual(s) with NF1-related conditions (PMID: 18800150). Algorithms developed to predict the effect of sequence changes on RNA splicing suggest that this variant may disrupt the consensus splice site, but this prediction has not been confirmed by published transcriptional studies. For these reasons, this variant has been classified as Pathogenic.

Literature cited by the submitters: PubMed 16199547 (cited by Labcorp Genetics (formerly Invitae), Labcorp); PubMed 10712197 (cited by Labcorp Genetics (formerly Invitae), Labcorp); PubMed 23913538 (cited by Labcorp Genetics (formerly Invitae), Labcorp); PubMed 18800150 (cited by Labcorp Genetics (formerly Invitae), Labcorp).